The following is an entry in ClinVar:

ClinVar aggregate classification (germline): Uncertain significance. Review status: criteria provided, multiple submitters, no conflicts (2 of 4 stars). 2 submissions from 2 submitters: Uncertain significance (2). Last evaluated 2026-02-04.

Conditions:
Hereditary cancer-predisposing syndrome. Also called: Hereditary Cancer Syndrome; Tumor predisposition; Neoplastic Syndromes, Hereditary; Hereditary neoplastic syndrome. Identifiers: Orphanet 140162, MedGen C0027672, MeSH D009386, MONDO:0015356.

Submissions (2):

Ambry Genetics
Classification: Uncertain significance for Hereditary cancer-predisposing syndrome. Last evaluated: 2026-02-04. Review status: criteria provided, single submitter. Criteria: Ambry Variant Classification Scheme 2023. Collection method: clinical testing. Allele origin: germline.
Comment: The c.3302+3C>T intronic variant results from a C to T substitution 3 nucleotides after coding exon 23 in the MSH3 gene. This nucleotide position is well conserved in available vertebrate species. In silico splice site analysis predicts that this alteration will not have any significant effect on splicing. Based on the available evidence, the clinical significance of this variant remains unclear.

Labcorp Genetics (formerly Invitae), Labcorp
Classification: Uncertain significance. Last evaluated: 2021-07-27. Review status: criteria provided, single submitter. Criteria: Invitae Variant Classification Sherloc (09022015). Collection method: clinical testing. Allele origin: germline.
Comment: ClinVar contains an entry for this variant (Variation ID: 823514). This variant has not been reported in the literature in individuals affected with MSH3-related conditions. This variant is not present in population databases (ExAC no frequency). This sequence change falls in intron 23 of the MSH3 gene. It does not directly change the encoded amino acid sequence of the MSH3 protein. It affects a nucleotide within the consensus splice site of the intron. Nucleotide substitutions within the consensus splice site are a relatively common cause of aberrant splicing (PMID: 17576681, 9536098). Algorithms developed to predict the effect of sequence changes on RNA splicing suggest that this variant is not likely to affect RNA splicing. In summary, the available evidence is currently insufficient to determine the role of this variant in disease. Therefore, it has been classified as a Variant of Uncertain Significance.

Literature cited by the submitters: PubMed 17576681 (cited by Labcorp Genetics (formerly Invitae), Labcorp); PubMed 9536098 (cited by Labcorp Genetics (formerly Invitae), Labcorp).

NM_002439.5(MSH3):c.3302+3C>T

Gene: MSH3 (mutS homolog 3; plus strand). Cytogenetic location: 5q14.1.
Variant type: single nucleotide variant.
Coding change: c.3302+3C>T on transcript NM_002439.5 (MANE Select); 3 bases into the intron after coding-DNA position 3302, C replaced by T.
Molecular consequence: intron variant.
Genome position (GRCh38, 1-based): chr5:80,873,290, C>T. VCF-style: chr5-80873290-C-T. GRCh37 (hg19) VCF-style: chr5-80169109-C-T.
Identifiers: ClinVar variation 823514 (VCV000823514.11), dbSNP rs1580104500, ClinGen allele CA915943383.
Genomic context (GRCh38, chr5:80,873,290, plus strand): 5'-TTTTGAAGAAAGCAGCTCACAAGTCAAAAGAGCTGGAAGGATTAATAAATACGAAAAGGT[C>T]AGAGTGATTATGCTGCATTTTTTCATTTGTAATGAAACCTTCTAAGTTGTCCAAGAAAGA-3'